The following is an entry in ClinVar:

NM_016507.4(CDK12):c.2641G>T (p.Ala881Ser)

Gene: CDK12 (cyclin dependent kinase 12; plus strand). Cytogenetic location: 17q12.
Variant type: single nucleotide variant.
Coding change: c.2641G>T on transcript NM_016507.4 (MANE Select); coding-DNA position 2641, G replaced by T.
Protein change: p.Ala881Ser; replaces alanine 881 with serine.
Molecular consequence: missense variant.
Genome position (GRCh38, 1-based): chr17:39,509,736, G>T. VCF-style: chr17-39509736-G-T. GRCh37 (hg19) VCF-style: chr17-37665989-G-T.
Other names: c.2641G>T, p.Ala881Ser (NM_015083.4); short protein forms A881S.
Identifiers: ClinVar variation 5034106 (VCV005034106.1).

ClinVar aggregate classification (germline): Uncertain significance (1 of 4 stars; one submission).

Submission:

Ambry Genetics
Classification: Uncertain significance. Last evaluated: 2026-07-20. Review status: criteria provided, single submitter. Criteria: Ambry Variant Classification Scheme 2023. Collection method: clinical testing. Allele origin: germline.
Comment: The p.A881S variant (also known as c.2641G>T), located in coding exon 7 of the CDK12 gene, results from a G to T substitution at nucleotide position 2641. The alanine at codon 881 is replaced by serine, an amino acid with similar properties. This amino acid position is conserved. In addition, the in silico prediction for this alteration is inconclusive. Based on the available evidence, the clinical significance of this variant remains unclear.